The following is an entry in ClinVar:

ClinVar aggregate classification (germline): Uncertain significance (1 of 4 stars; one submission).

Submission:

Ambry Genetics
Classification: Uncertain significance. Last evaluated: 2024-12-07. Review status: criteria provided, single submitter. Criteria: Ambry Variant Classification Scheme 2023. Collection method: clinical testing. Allele origin: germline.
Comment: The p.P58Q variant (also known as c.173C>A), located in coding exon 1 of the PALLD gene, results from a C to A substitution at nucleotide position 173. The proline at codon 58 is replaced by glutamine, an amino acid with similar properties. This amino acid position is conserved. In addition, this alteration is predicted to be tolerated by in silico analysis. Based on the available evidence, the clinical significance of this variant remains unclear.

NM_001166108.2(PALLD):c.1965-12858C>A

Gene: PALLD (palladin, cytoskeletal associated protein; plus strand). Cytogenetic location: 4q32.3.
Variant type: single nucleotide variant.
Coding change: c.1965-12858C>A on transcript NM_001166108.2 (MANE Select); 12858 bases into the intron before coding-DNA position 1965, C replaced by A.
Molecular consequence: intron variant. On other transcripts: missense variant (1).
Genome position (GRCh38, 1-based): chr4:168,878,064, C>A. VCF-style: chr4-168878064-C-A. GRCh37 (hg19) VCF-style: chr4-169799215-C-A.
Other names: c.173C>A, p.Pro58Gln (NM_001166110.2); c.1965-12858C>A (NM_016081.4); c.819-12858C>A (NM_001166109.2); c.-157-12858C>A (NM_001367570.1, NM_001367568.1, NM_001367567.1 and 1 more transcripts); short protein forms P58Q.
Identifiers: ClinVar variation 3413722 (VCV003413722.1).